The following is an entry in ClinVar:

NM_002242.4(KCNJ13):c.857C>T (p.Thr286Ile)

Genes: GIGYF2 (GRB10 interacting GYF protein 2; plus strand), KCNJ13 (potassium inwardly rectifying channel subfamily J member 13; minus strand). Cytogenetic location: 2q37.1.
Variant type: single nucleotide variant.
Coding change: c.857C>T on transcript NM_002242.4 (MANE Select); coding-DNA position 857, C replaced by T.
Protein change: p.Thr286Ile; replaces threonine 286 with isoleucine.
Molecular consequence: missense variant. On other transcripts: 3 prime UTR variant (1), intron variant (4).
Genome position (GRCh38, 1-based): chr2:232,768,417, G>A on the plus strand (C>T on the coding strand, the complement: KCNJ13 is on the minus strand). VCF-style: chr2-232768417-G-A. GRCh37 (hg19) VCF-style: chr2-233633127-G-A.
Other names: c.*336C>T (NM_001172416.1); c.617C>T, p.Thr206Ile (NM_001172417.1); c.532+6981G>A (NM_001103146.3, NM_015575.4, NM_001103147.2 and 1 more transcripts); short protein forms T286I, T206I.
Identifiers: ClinVar variation 4741179 (VCV004741179.1).

ClinVar aggregate classification (germline): Uncertain significance (1 of 4 stars; one submission).

gnomAD v4.1: 2 of 1,614,164 alleles (0.00012%); highest among the groups gnomAD compares: Non-Finnish European, 0.00017%; no homozygotes.

Submission:

Labcorp Genetics (formerly Invitae), Labcorp
Classification: Uncertain significance. Last evaluated: 2025-03-27. Review status: criteria provided, single submitter. Criteria: Invitae Variant Classification Sherloc (09022015). Collection method: clinical testing. Allele origin: germline.
Comment: This sequence change replaces threonine, which is neutral and polar, with isoleucine, which is neutral and non-polar, at codon 286 of the KCNJ13 protein (p.Thr286Ile). This variant is not present in population databases (gnomAD no frequency). This variant has not been reported in the literature in individuals affected with KCNJ13-related conditions. Invitae Evidence Modeling of protein sequence and biophysical properties (such as structural, functional, and spatial information, amino acid conservation, physicochemical variation, residue mobility, and thermodynamic stability) indicates that this missense variant is expected to disrupt KCNJ13 protein function with a positive predictive value of 80%. In summary, the available evidence is currently insufficient to determine the role of this variant in disease. Therefore, it has been classified as a Variant of Uncertain Significance.